The following is an entry in ClinVar:

NM_001330.5(CTF1):c.64C>G (p.His22Asp)

Gene: CTF1 (cardiotrophin 1; plus strand). Cytogenetic location: 16p11.2.
Variant type: single nucleotide variant.
Coding change: c.64C>G on transcript NM_001330.5 (MANE Select); coding-DNA position 64, C replaced by G.
Protein change: p.His22Asp; replaces histidine 22 with aspartic acid.
Molecular consequence: missense variant. On other transcripts: non-coding transcript variant (1).
Genome position (GRCh38, 1-based): chr16:30,899,453, C>G. VCF-style: chr16-30899453-C-G. GRCh37 (hg19) VCF-style: chr16-30910774-C-G.
Other names: c.61C>G, p.His21Asp (NM_001142544.3); short protein forms H21D, H22D.
Identifiers: ClinVar variation 2795818 (VCV002795818.3), dbSNP rs2543735343, ClinGen allele CA395633238.

ClinVar aggregate classification (germline): Uncertain significance (1 of 4 stars; one submission).

Submission:

Labcorp Genetics (formerly Invitae), Labcorp
Classification: Uncertain significance. Last evaluated: 2023-10-04. Review status: criteria provided, single submitter. Criteria: Invitae Variant Classification Sherloc (09022015). Collection method: clinical testing. Allele origin: germline.
Comment: This sequence change replaces histidine, which is basic and polar, with aspartic acid, which is acidic and polar, at codon 22 of the CTF1 protein (p.His22Asp). This variant is not present in population databases (gnomAD no frequency). This variant has not been reported in the literature in individuals affected with CTF1-related conditions. An algorithm developed to predict the effect of missense changes on protein structure and function (PolyPhen-2) suggests that this variant is likely to be disruptive. In summary, the available evidence is currently insufficient to determine the role of this variant in disease. Therefore, it has been classified as a Variant of Uncertain Significance.